The following is an entry in ClinVar:

NM_000393.5(COL5A2):c.3649C>T (p.Pro1217Ser)

Gene: COL5A2 (collagen type V alpha 2 chain; minus strand). Cytogenetic location: 2q32.2.
Variant type: single nucleotide variant.
Coding change: c.3649C>T on transcript NM_000393.5 (MANE Select); coding-DNA position 3649, C replaced by T.
Protein change: p.Pro1217Ser; replaces proline 1217 with serine.
Molecular consequence: missense variant.
Genome position (GRCh38, 1-based): chr2:189,039,548, G>A on the plus strand (C>T on the coding strand, the complement: COL5A2 is on the minus strand). VCF-style: chr2-189039548-G-A. GRCh37 (hg19) VCF-style: chr2-189904274-G-A.
Other names: short protein forms P1217S.
Identifiers: ClinVar variation 1733573 (VCV001733573.4), dbSNP rs752041409, ClinGen allele CA2021940.

ClinVar aggregate classification (germline): Uncertain significance. Review status: criteria provided, multiple submitters, no conflicts (2 of 4 stars). 3 submissions from 3 submitters: Uncertain significance (3). Last evaluated 2025-05-06.

Conditions:
Familial thoracic aortic aneurysm and aortic dissection (TAAD). Also called: Thoracic aortic aneurysms and dissections. Identifiers: Orphanet 91387, MedGen C4707243, MONDO:0019625.
Ehlers-Danlos syndrome, classic type, 1 (EDSCL1). Also called: Ehlers-Danlos syndrome, type 1; Ehlers-Danlos Syndrome, Classic Type, COL5A1-Related; EDS I; EHLERS-DANLOS SYNDROME, GRAVIS TYPE; EHLERS-DANLOS SYNDROME, SEVERE CLASSIC TYPE. Identifiers: MedGen C0268335, MONDO:0019567, OMIM 130000.

Allele frequency attached by ClinVar (database versions not stated): ExAC 0.00001; gnomAD exomes below 0.00001.
gnomAD v4.1: 2 of 1,613,706 alleles (0.00012%); highest among the groups gnomAD compares: Non-Finnish European, 0.00017%; no homozygotes.

Submissions (3):

Labcorp Genetics (formerly Invitae), Labcorp
Classification: Uncertain significance for Ehlers-Danlos syndrome, classic type, 1. Last evaluated: 2025-05-06. Review status: criteria provided, single submitter. Criteria: Invitae Variant Classification Sherloc (09022015). Collection method: clinical testing. Allele origin: germline.
Comment: This sequence change replaces proline, which is neutral and non-polar, with serine, which is neutral and polar, at codon 1217 of the COL5A2 protein (p.Pro1217Ser). This variant is present in population databases (rs752041409, gnomAD 0.002%). This variant has not been reported in the literature in individuals affected with COL5A2-related conditions. ClinVar contains an entry for this variant (Variation ID: 1733573). Invitae Evidence Modeling of protein sequence and biophysical properties (such as structural, functional, and spatial information, amino acid conservation, physicochemical variation, residue mobility, and thermodynamic stability) indicates that this missense variant is not expected to disrupt COL5A2 protein function with a negative predictive value of 80%. In summary, the available evidence is currently insufficient to determine the role of this variant in disease. Therefore, it has been classified as a Variant of Uncertain Significance.

GeneDx
Classification: Uncertain significance. Last evaluated: 2022-11-30. Review status: criteria provided, single submitter. Criteria: GeneDx Variant Classification Process June 2021. Collection method: clinical testing. Allele origin: germline. Affected: yes.
Comment: Not observed at significant frequency in large population cohorts (gnomAD); In silico analysis supports that this missense variant has a deleterious effect on protein structure/function; Has not been previously published as pathogenic or benign to our knowledge

Ambry Genetics
Classification: Uncertain significance for Familial thoracic aortic aneurysm and aortic dissection. Last evaluated: 2021-05-29. Review status: criteria provided, single submitter. Criteria: Ambry Variant Classification Scheme 2023. Collection method: clinical testing. Allele origin: germline.